The following is an entry in ClinVar:

NM_015338.6(ASXL1):c.1924G>A (p.Gly642Arg)

Gene: ASXL1 (ASXL transcriptional regulator 1; plus strand). Cytogenetic location: 20q11.21.
Variant type: single nucleotide variant.
Coding change: c.1924G>A on transcript NM_015338.6 (MANE Select); coding-DNA position 1924, G replaced by A.
Protein change: p.Gly642Arg; replaces glycine 642 with arginine.
Molecular consequence: missense variant.
Genome position (GRCh38, 1-based): chr20:32,434,636, G>A. VCF-style: chr20-32434636-G-A. GRCh37 (hg19) VCF-style: chr20-31022439-G-A.
Other names: c.1741G>A, p.Gly581Arg (NM_001363734.1); short protein forms G581R, G642R.
Identifiers: ClinVar variation 1940853 (VCV001940853.5), dbSNP rs892732207, ClinGen allele CA313926276.
Genomic context (GRCh38, chr20:32,434,636, plus strand): 5'-CTGCAGGTCCGAGGGGCGAGAGGTCACCACTGCCATAGAGAGGCGGCCACCACTGCCATC[G>A]GAGGGGGGGGTGGCCCGGGTGGAGGTGGCGGCGGGGCCACCGATGAGGGAGGTGGCAGAG-3'
Protein context (NP_056153.2, residues 632-652): CHREAATTAI[Gly642Arg]GGGGPGGGGG

ClinVar aggregate classification (germline): Uncertain significance (1 of 4 stars; one submission).

Allele frequency attached by ClinVar (database versions not stated): TOPMed 0.00001.
gnomAD v4.1: 1 of 1,607,628 alleles (0.000062%); no homozygotes.

Submission:

Labcorp Genetics (formerly Invitae), Labcorp
Classification: Uncertain significance. Last evaluated: 2022-01-15. Review status: criteria provided, single submitter. Criteria: Invitae Variant Classification Sherloc (09022015). Collection method: clinical testing. Allele origin: germline.
Comment: In summary, the available evidence is currently insufficient to determine the role of this variant in disease. Therefore, it has been classified as a Variant of Uncertain Significance. Algorithms developed to predict the effect of sequence changes on RNA splicing suggest that this variant may create or strengthen a splice site. Algorithms developed to predict the effect of missense changes on protein structure and function are either unavailable or do not agree on the potential impact of this missense change (SIFT: "Tolerated"; PolyPhen-2: "Probably Damaging"; Align-GVGD: "Class C0"). This variant has not been reported in the literature in individuals affected with ASXL1-related conditions. This variant is not present in population databases (gnomAD no frequency). This sequence change replaces glycine, which is neutral and non-polar, with arginine, which is basic and polar, at codon 642 of the ASXL1 protein (p.Gly642Arg).